The following is an entry in ClinVar:

ClinVar aggregate classification (germline): Likely benign. Review status: criteria provided, multiple submitters, no conflicts (2 of 4 stars). 2 submissions from 2 submitters: Likely benign (2). Last evaluated 2026-03-17.

Conditions:
Familial hypercholesterolemia. Also called: Familial hypercholesterolaemia; Familial hypercholesterolemias. Identifiers: MedGen C0020445, MONDO:0005439.
Familial hypobetalipoproteinemia 1. Also called: Hypobetalipoproteinemia, normotriglyceridemic; Acanthocytosis with hypobetalipoproteinemia; APOB-Related Familial Hypobetalipoproteinemia. Identifiers: MedGen C4551990, MONDO:0014252, OMIM 615558.
Hypercholesterolemia, autosomal dominant, type B (FHCL2). Also called: APOB-Related Familial Hypercholesterolemia, Autosomal Dominant; Familial Hypercholesterolemia Type B; APOLIPOPROTEIN B-100, FAMILIAL DEFECTIVE; APOLIPOPROTEIN B-100, FAMILIAL LIGAND-DEFECTIVE; HYPERCHOLESTEROLEMIA, FAMILIAL, DUE TO LIGAND-DEFECTIVE APOLIPOPROTEIN B; Hyperlipoproteinemia Type IIb. Identifiers: MedGen C1704417, MONDO:0007751, OMIM 144010.

Allele frequency attached by ClinVar (database versions not stated): gnomAD 0.00001; gnomAD exomes 0.00001.
gnomAD v4.1: 8 of 1,613,994 alleles (0.0005%); highest among the groups gnomAD compares: South Asian, 0.0077%; no homozygotes.

Submissions (2):

GENinCode PLC
Classification: Likely benign for Familial hypercholesterolemia. Last evaluated: 2026-03-17. Review status: criteria provided, single submitter. Criteria: ACMG Guidelines, 2015. Collection method: clinical testing. Allele origin: germline.
Comment: This is a synonymous (silent) variant that is not predicted to impact splicing and occurs at a nucleotide which is not highly conserved. This variant has been classified as Likely Benign (BP4, BP7).

Labcorp Genetics (formerly Invitae), Labcorp
Classification: Likely benign for Familial hypobetalipoproteinemia 1; Hypercholesterolemia, autosomal dominant, type B. Last evaluated: 2023-07-19. Review status: criteria provided, single submitter. Criteria: Invitae Variant Classification Sherloc (09022015). Collection method: clinical testing. Allele origin: germline.

NM_000384.3(APOB):c.9411A>G (p.Leu3137=)

Gene: APOB (apolipoprotein B; minus strand). Cytogenetic location: 2p24.1.
Variant type: single nucleotide variant.
Coding change: c.9411A>G on transcript NM_000384.3 (MANE Select); coding-DNA position 9411, A replaced by G.
Protein change: p.Leu3137=; no amino-acid change (leucine 3137 retained).
Molecular consequence: synonymous variant.
Genome position (GRCh38, 1-based): chr2:21,007,457, T>C on the plus strand (A>G on the coding strand, the complement: APOB is on the minus strand). VCF-style: chr2-21007457-T-C. GRCh37 (hg19) VCF-style: chr2-21230329-T-C.
Other names: c.9411A>G (NM_000384.2).
Identifiers: ClinVar variation 2938348 (VCV002938348.4), dbSNP rs763696014, ClinGen allele CA43497671.
Genomic context (GRCh38, chr2:21,007,457, plus strand): 5'-GCCTGTTTTTTCCCATAGAGAGAAATCTTTCAGTGGAGGAGTTGTGATTATTGTGTAAGG[T>C]AGACGCATTTCAGGAATTGTTAAAGGAATGTTTAAGAAATCCAGATTTGCTTCTCCATTT-3'
Protein context (NP_000375.3, residues 3127-3147): NIPLTIPEMR[Leu3137=]PYTIITTPPL